The following is an entry in ClinVar:

ClinVar aggregate classification (germline): Likely benign (1 of 4 stars; one submission).

gnomAD v4.1: 137 of 1,486,236 alleles (0.0092%); highest among the groups gnomAD compares: East Asian, 0.11%; 9 homozygotes.

Submission:

CeGaT Center for Human Genetics Tuebingen
Classification: Likely benign. Last evaluated: 2026-06-01. Review status: criteria provided, single submitter. Criteria: CeGaT Center For Human Genetics Tuebingen Variant Classification Criteria Version 2. Collection method: clinical testing. Allele origin: germline. Affected: yes. Observed: 5 variant alleles.
Comment: LIAT1: BP4, BP7

NM_001013672.5(LIAT1):c.792C>T (p.Gly264=)

Genes: LIAT1 (ligand of ATE1; plus strand), LOC105371430 (uncharacterized LOC105371430; minus strand). Cytogenetic location: 17p13.3.
Variant type: single nucleotide variant.
Coding change: c.792C>T on transcript NM_001013672.5 (MANE Select); coding-DNA position 792, C replaced by T.
Protein change: p.Gly264=; no amino-acid change (glycine 264 retained).
Molecular consequence: synonymous variant.
Genome position (GRCh38, 1-based): chr17:413,635, C>T. VCF-style: chr17-413635-C-T. GRCh37 (hg19) VCF-style: chr17-263426-C-T.
Identifiers: ClinVar variation 3898111 (VCV003898111.7).